The following is an entry in ClinVar:

NM_006218.4(PIK3CA):c.2603G>T (p.Gly868Val)

Gene: PIK3CA (phosphatidylinositol-4,5-bisphosphate 3-kinase catalytic subunit alpha; plus strand). Cytogenetic location: 3q26.32.
Variant type: single nucleotide variant.
Coding change: c.2603G>T on transcript NM_006218.4 (MANE Select); coding-DNA position 2603, G replaced by T.
Protein change: p.Gly868Val; replaces glycine 868 with valine.
Molecular consequence: missense variant.
Genome position (GRCh38, 1-based): chr3:179,229,379, G>T. VCF-style: chr3-179229379-G-T. GRCh37 (hg19) VCF-style: chr3-178947167-G-T.
Other names: short protein forms G868V.
Identifiers: ClinVar variation 1793704 (VCV001793704.2), dbSNP rs2108422916, ClinGen allele CA355278501.

ClinVar aggregate classification (germline): Uncertain significance (1 of 4 stars; one submission).

Conditions:
Inborn genetic diseases. Identifiers: MedGen C0950123, MeSH D030342.

Submission:

Ambry Genetics
Classification: Uncertain significance for Inborn genetic diseases. Last evaluated: 2021-10-19. Review status: criteria provided, single submitter. Criteria: Ambry Variant Classification Scheme 2023. Collection method: clinical testing. Allele origin: germline.
Comment: The p.G868V variant (also known as c.2603G>T), located in coding exon 17 of the PIK3CA gene, results from a G to T substitution at nucleotide position 2603. The glycine at codon 868 is replaced by valine, an amino acid with dissimilar properties. This amino acid position is conserved. In addition, this alteration is predicted to be deleterious by in silico analysis. Since supporting evidence is limited at this time, the clinical significance of this alteration remains unclear.